The following is an entry in ClinVar:

NM_000719.7(CACNA1C):c.4843G>A (p.Val1615Ile)

Genes: CACNA1C (calcium voltage-gated channel subunit alpha1 C; plus strand), CACNA1C-AS1 (CACNA1C antisense RNA 1; minus strand). Cytogenetic location: 12p13.33.
Variant type: single nucleotide variant.
Coding change: c.4843G>A on transcript NM_000719.7 (MANE Select); coding-DNA position 4843, G replaced by A.
Protein change: p.Val1615Ile; replaces valine 1615 with isoleucine.
Molecular consequence: missense variant. On other transcripts: non-coding transcript variant (1).
Genome position (GRCh38, 1-based): chr12:2,677,108, G>A. VCF-style: chr12-2677108-G-A. GRCh37 (hg19) VCF-style: chr12-2786274-G-A.
Other names: c.4987G>A, p.Val1663Ile (NM_001129827.2, NM_199460.4); c.4966G>A, p.Val1656Ile (NM_001129829.2); c.4843G>A, p.Val1615Ile (NM_001129840.2, NM_001129841.2, NM_001129842.2 and 4 more transcripts); c.4834G>A, p.Val1612Ile (NM_001129844.2); c.4810G>A, p.Val1604Ile (NM_001129846.2, NM_001167625.2); c.4927G>A, p.Val1643Ile (NM_001129831.2); c.4903G>A, p.Val1635Ile (NM_001129832.2); c.4900G>A, p.Val1634Ile (NM_001129833.2, NM_001129834.2, NM_001129835.2); and 4 more; short protein forms V1604I, V1623I, V1656I, V1663I, V1632I, V1612I, V1634I, V1643I.
Identifiers: ClinVar variation 2895326 (VCV002895326.4), dbSNP rs750981201, ClinGen allele CA6389634.

ClinVar aggregate classification (germline): Uncertain significance. Review status: criteria provided, multiple submitters, no conflicts (2 of 4 stars). 2 submissions from 2 submitters: Uncertain significance (2). Last evaluated 2025-04-09.

Conditions:
Cardiovascular phenotype. Identifiers: MedGen CN230736.
Long QT syndrome (LQTS). Identifiers: MedGen C0023976, MeSH D008133, MONDO:0002442. Disease mechanism: loss of function. Inheritance: Various modes of inheritance.

Allele frequency attached by ClinVar (database versions not stated): gnomAD exomes below 0.00001; ExAC 0.00001; TOPMed 0.00001.
gnomAD v4.1: 3 of 1,613,070 alleles (0.00019%); highest among the groups gnomAD compares: South Asian, 0.0022%; no homozygotes.

Submissions (2):

Molecular Diagnostic Laboratory for Inherited Cardiovascular Disease, Montreal Heart Institute
Classification: Uncertain significance for Cardiovascular phenotype. Last evaluated: 2025-04-09. Review status: criteria provided, single submitter. Criteria: ACMG Guidelines, 2015. Collection method: clinical testing. Allele origin: germline. Affected: yes.
Comment: PM2

Labcorp Genetics (formerly Invitae), Labcorp
Classification: Uncertain significance for Long QT syndrome. Last evaluated: 2022-11-12. Review status: criteria provided, single submitter. Criteria: Invitae Variant Classification Sherloc (09022015). Collection method: clinical testing. Allele origin: germline.
Comment: This sequence change replaces valine, which is neutral and non-polar, with isoleucine, which is neutral and non-polar, at codon 1615 of the CACNA1C protein (p.Val1615Ile). The frequency data for this variant in the population databases is considered unreliable, as metrics indicate poor data quality at this position in the gnomAD database. This variant has not been reported in the literature in individuals affected with CACNA1C-related conditions. Advanced modeling of protein sequence and biophysical properties (such as structural, functional, and spatial information, amino acid conservation, physicochemical variation, residue mobility, and thermodynamic stability) has been performed at Invitae for this missense variant, however the output from this modeling did not meet the statistical confidence thresholds required to predict the impact of this variant on CACNA1C protein function. In summary, the available evidence is currently insufficient to determine the role of this variant in disease. Therefore, it has been classified as a Variant of Uncertain Significance.